The following is an entry in ClinVar:

NM_000059.4(BRCA2):c.6313A>C (p.Ile2105Leu)

Gene: BRCA2 (BRCA2 DNA repair associated; plus strand). Cytogenetic location: 13q13.1.
Variant type: single nucleotide variant.
Coding change: c.6313A>C on transcript NM_000059.4 (MANE Select); coding-DNA position 6313, A replaced by C.
Protein change: p.Ile2105Leu; replaces isoleucine 2105 with leucine.
Molecular consequence: missense variant.
Genome position (GRCh38, 1-based): chr13:32,340,668, A>C. VCF-style: chr13-32340668-A-C. GRCh37 (hg19) VCF-style: chr13-32914805-A-C.
Other names: short protein forms I2105L.
Identifiers: ClinVar variation 483076 (VCV000483076.14), dbSNP rs397507368, ClinGen allele CA387789051.
Genomic context (GRCh38, chr13:32,340,668, plus strand): 5'-TTAATCAGAACTGAGCATAGTCTTCACTATTCACCTACGTCTAGACAAAATGTATCAAAA[A>C]TACTTCCTCGTGTTGATAAGAGAAACCCAGAGCACTGTGTAAACTCAGAAATGGAAAAAA-3'
Protein context (NP_000050.3, residues 2095-2115): SPTSRQNVSK[Ile2105Leu]LPRVDKRNPE

ClinVar aggregate classification (germline): Conflicting classifications of pathogenicity. Review status: criteria provided, conflicting classifications (1 of 4 stars). 3 submissions from 3 submitters: Uncertain significance (2); Likely benign (1). Last evaluated 2023-03-23.

Conditions:
Hereditary cancer-predisposing syndrome. Also called: Neoplastic Syndromes, Hereditary; Tumor predisposition; Hereditary Cancer Syndrome; Hereditary neoplastic syndrome. Identifiers: Orphanet 140162, MedGen C0027672, MeSH D009386, MONDO:0015356.
Hereditary breast ovarian cancer syndrome. Also called: Hereditary breast and ovarian cancer syndrome; Hereditary breast and ovarian cancer; Hereditary breast and ovarian cancer syndrome (HBOC); Breast and ovarian cancer; Hereditary breast and/or ovarian cancer syndrome; BRCA1- and BRCA2-Associated Hereditary Breast and Ovarian Cancer. Identifiers: Orphanet 145, MedGen C0677776, MeSH D061325, MONDO:0003582. Disease mechanism: loss of function.

Submissions (3):

University of Washington Department of Laboratory Medicine, University of Washington
Classification: Likely benign for Hereditary cancer-predisposing syndrome. Last evaluated: 2023-03-23. Review status: criteria provided, single submitter. Criteria: Dines et al. (Genet Med. 2020). Collection method: curation. Allele origin: germline.
Comment: Missense variant in a coldspot region where missense variants are very unlikely to be pathogenic (PMID:31911673).

BRCA2 exon 11 coldspot. Reclassification based on statistical prior probability.

Ambry Genetics
Classification: Uncertain significance for Hereditary cancer-predisposing syndrome. Last evaluated: 2018-10-03. Review status: criteria provided, single submitter. Criteria: Ambry Variant Classification Scheme 2023. Collection method: clinical testing. Allele origin: germline.
Comment: The p.I2105L variant (also known as c.6313A>C), located in coding exon 10 of the BRCA2 gene, results from an A to C substitution at nucleotide position 6313. The isoleucine at codon 2105 is replaced by leucine, an amino acid with highly similar properties. This amino acid position is poorly conserved in available vertebrate species. In addition, this alteration is predicted to be tolerated by in silico analysis. Since supporting evidence is limited at this time, the clinical significance of this alteration remains unclear.

Labcorp Genetics (formerly Invitae), Labcorp
Classification: Uncertain significance for Hereditary breast ovarian cancer syndrome. Last evaluated: 2018-02-07. Review status: criteria provided, single submitter. Criteria: Invitae Variant Classification Sherloc (09022015). Collection method: clinical testing. Allele origin: germline.
Comment: In summary, the available evidence is currently insufficient to determine the role of this variant in disease. Therefore, it has been classified as a Variant of Uncertain Significance. Algorithms developed to predict the effect of missense changes on protein structure and function (SIFT, PolyPhen-2, Align-GVGD) all suggest that this variant is likely to be tolerated, but these predictions have not been confirmed by published functional studies and their clinical significance is uncertain. This variant has not been reported in the literature in individuals with BRCA2-related disease. ClinVar contains an entry for this variant (Variation ID: 483076). This variant is not present in population databases (ExAC no frequency). This sequence change replaces isoleucine with leucine at codon 2105 of the BRCA2 protein (p.Ile2105Leu). The isoleucine residue is weakly conserved and there is a small physicochemical difference between isoleucine and leucine.